The following is an entry in ClinVar:

NC_000022.11:g.40346377A>C

Gene: ADSL (adenylosuccinate lyase; plus strand). Cytogenetic location: 22q13.1.
Variant type: single nucleotide variant.
Genome position: GRCh38 VCF-style: chr22-40346377-A-C. GRCh37 (hg19) VCF-style: chr22-40742381-A-C.
Identifiers: ClinVar variation 1442935 (VCV001442935.3), dbSNP rs749450413, ClinGen allele CA324446828.

ClinVar aggregate classification (germline): Uncertain significance (1 of 4 stars; one submission).

Conditions:
Adenylosuccinate lyase deficiency (ADSLD). Also called: ADSL DEFICIENCY. Identifiers: Orphanet 46, MedGen C0268126, MONDO:0007068, OMIM 103050.

Allele frequency attached by ClinVar (database versions not stated): gnomAD 0.00001; gnomAD exomes 0.00002.

Submission:

Labcorp Genetics (formerly Invitae), Labcorp
Classification: Uncertain significance for Adenylosuccinate lyase deficiency. Last evaluated: 2022-07-12. Review status: criteria provided, single submitter. Criteria: Invitae Variant Classification Sherloc (09022015). Collection method: clinical testing. Allele origin: germline.
Comment: This variant occurs in a non-coding region of the ADSL gene. It does not change the encoded amino acid sequence of the ADSL protein. The frequency data for this variant in the population databases is considered unreliable, as metrics indicate poor data quality at this position in the gnomAD database. This variant has not been reported in the literature in individuals affected with ADSL-related conditions. Experimental studies and prediction algorithms are not available or were not evaluated, and the functional significance of this variant is currently unknown. In summary, the available evidence is currently insufficient to determine the role of this variant in disease. Therefore, it has been classified as a Variant of Uncertain Significance.